The following is an entry in ClinVar:

NM_024570.4(RNASEH2B):c.202G>C (p.Glu68Gln)

Gene: RNASEH2B (ribonuclease H2 subunit B; plus strand). Cytogenetic location: 13q14.3.
Variant type: single nucleotide variant.
Coding change: c.202G>C on transcript NM_024570.4 (MANE Select); coding-DNA position 202, G replaced by C.
Protein change: p.Glu68Gln; replaces glutamic acid 68 with glutamine.
Molecular consequence: missense variant.
Genome position (GRCh38, 1-based): chr13:50,929,540, G>C. VCF-style: chr13-50929540-G-C. GRCh37 (hg19) VCF-style: chr13-51503676-G-C.
Other names: c.202G>C, p.Glu68Gln (NM_001142279.2); short protein forms E68Q.
Identifiers: ClinVar variation 939440 (VCV000939440.8), dbSNP rs145465454, ClinGen allele CA6985484.

ClinVar aggregate classification (germline): Uncertain significance. Review status: criteria provided, multiple submitters, no conflicts (2 of 4 stars). 2 submissions from 2 submitters: Uncertain significance (2). Last evaluated 2024-01-22.

Conditions:
Aicardi-Goutieres syndrome 2. Identifiers: Orphanet 51, MedGen C3489724, MONDO:0012429, OMIM 610181.
Inborn genetic diseases. Identifiers: MedGen C0950123, MeSH D030342.

Allele frequency attached by ClinVar (database versions not stated): gnomAD exomes 0.00001; ExAC 0.00002; gnomAD 0.00004; ESP Exome Variant Server 0.00008; TOPMed 0.00019.
gnomAD v4.1: 18 of 1,613,302 alleles (0.0011%); highest among the groups gnomAD compares: Admixed American, 0.017%; no homozygotes.

Submissions (2):

Labcorp Genetics (formerly Invitae), Labcorp
Classification: Uncertain significance for Aicardi-Goutieres syndrome 2. Last evaluated: 2024-01-22. Review status: criteria provided, single submitter. Criteria: Invitae Variant Classification Sherloc (09022015). Collection method: clinical testing. Allele origin: germline.
Comment: This sequence change replaces glutamic acid, which is acidic and polar, with glutamine, which is neutral and polar, at codon 68 of the RNASEH2B protein (p.Glu68Gln). This variant is present in population databases (rs145465454, gnomAD 0.006%). This variant has not been reported in the literature in individuals affected with RNASEH2B-related conditions. ClinVar contains an entry for this variant (Variation ID: 939440). Advanced modeling of protein sequence and biophysical properties (such as structural, functional, and spatial information, amino acid conservation, physicochemical variation, residue mobility, and thermodynamic stability) has been performed at Invitae for this missense variant, however the output from this modeling did not meet the statistical confidence thresholds required to predict the impact of this variant on RNASEH2B protein function. In summary, the available evidence is currently insufficient to determine the role of this variant in disease. Therefore, it has been classified as a Variant of Uncertain Significance.

Ambry Genetics
Classification: Uncertain significance for Inborn genetic diseases. Last evaluated: 2023-11-03. Review status: criteria provided, single submitter. Criteria: Ambry Variant Classification Scheme 2023. Collection method: clinical testing. Allele origin: germline.